The following is an entry in ClinVar:

NM_000152.5(GAA):c.1438G>A (p.Val480Ile)

Gene: GAA (alpha glucosidase; plus strand). Cytogenetic location: 17q25.3.
Variant type: single nucleotide variant.
Coding change: c.1438G>A on transcript NM_000152.5 (MANE Select); coding-DNA position 1438, G replaced by A.
Protein change: p.Val480Ile; replaces valine 480 with isoleucine.
Molecular consequence: missense variant.
Genome position (GRCh38, 1-based): chr17:80,110,727, G>A. VCF-style: chr17-80110727-G-A. GRCh37 (hg19) VCF-style: chr17-78084526-G-A.
Other names: c.1438G>A, p.Val480Ile (NM_001079803.3, NM_001079804.3); short protein forms V480I.
Identifiers: ClinVar variation 1023978 (VCV001023978.14), dbSNP rs769574574, ClinGen allele CA8815347.

ClinVar aggregate classification (germline): Uncertain significance. Review status: criteria provided, multiple submitters, no conflicts (2 of 4 stars). 3 submissions from 3 submitters: Uncertain significance (2). 1 of the submissions does not count toward it. Last evaluated 2024-07-17.

Conditions:
Glycogen storage disease, type II (IOPD). Also called: Glycogen storage disease type 2; Acid maltase deficiency disease; Aglucosidase alfa; Deficiency of alpha-glucosidase; Deficiency of lysosomal alpha-glucosidase; GSD II. Identifiers: Orphanet 365, MedGen C0017921, MONDO:0009290, OMIM 232300.

Allele frequency attached by ClinVar (database versions not stated): TOPMed below 0.00001; gnomAD 0.00001; gnomAD exomes 0.00002; ExAC 0.00004.
gnomAD v4.1: 14 of 1,613,688 alleles (0.00087%); highest among the groups gnomAD compares: South Asian, 0.0099%; no homozygotes.

Submissions (3):

Labcorp Genetics (formerly Invitae), Labcorp
Classification: Uncertain significance for Glycogen storage disease, type II. Last evaluated: 2024-07-17. Review status: criteria provided, single submitter. Criteria: Invitae Variant Classification Sherloc (09022015). Collection method: clinical testing. Allele origin: germline.
Comment: This sequence change replaces valine, which is neutral and non-polar, with isoleucine, which is neutral and non-polar, at codon 480 of the GAA protein (p.Val480Ile). This variant is present in population databases (rs769574574, gnomAD 0.006%). This variant has not been reported in the literature in individuals affected with GAA-related conditions. ClinVar contains an entry for this variant (Variation ID: 1023978). An algorithm developed to predict the effect of missense changes on protein structure and function (PolyPhen-2) suggests that this variant is likely to be disruptive. Algorithms developed to predict the effect of sequence changes on RNA splicing suggest that this variant may disrupt the consensus splice site. In summary, the available evidence is currently insufficient to determine the role of this variant in disease. Therefore, it has been classified as a Variant of Uncertain Significance.

Revvity Omics, Revvity
Classification: Uncertain significance. Last evaluated: 2023-10-18. Review status: criteria provided, single submitter. Criteria: ACMG Guidelines, 2015. Collection method: clinical testing. Allele origin: germline.

Natera, Inc.
Classification: Uncertain significance for Glycogen storage disease type II. Last evaluated: 2020-01-19. Review status: no assertion criteria provided. Collection method: clinical testing. Allele origin: germline. Not counted in ClinVar's aggregate classification.